The following is an entry in ClinVar:

NM_152564.5(VPS13B):c.596T>G (p.Leu199Arg)

Gene: VPS13B (vacuolar protein sorting 13 homolog B; plus strand). Cytogenetic location: 8q22.2.
Variant type: single nucleotide variant.
Coding change: c.596T>G on transcript NM_152564.5 (MANE Select); coding-DNA position 596, T replaced by G.
Protein change: p.Leu199Arg; replaces leucine 199 with arginine.
Molecular consequence: missense variant. On other transcripts: non-coding transcript variant (1).
Genome position (GRCh38, 1-based): chr8:99,111,113, T>G. VCF-style: chr8-99111113-T-G. GRCh37 (hg19) VCF-style: chr8-100123341-T-G.
Other names: c.596T>G, p.Leu199Arg (NM_015243.3, NM_017890.5, NM_181661.3); short protein forms L199R.
Identifiers: ClinVar variation 2062147 (VCV002062147.4), dbSNP rs2488671877, ClinGen allele CA371859949.

ClinVar aggregate classification (germline): Uncertain significance (1 of 4 stars; one submission).

Conditions:
Cohen syndrome (COH1). Also called: Cutis verticis gyrata, retinitis pigmentosa, and sensorineural deafness; PEPPER SYNDROME. Identifiers: Orphanet 193, MedGen C0265223, MONDO:0008999, OMIM 216550.

Submission:

Labcorp Genetics (formerly Invitae), Labcorp
Classification: Uncertain significance for Cohen syndrome. Last evaluated: 2022-02-10. Review status: criteria provided, single submitter. Criteria: Invitae Variant Classification Sherloc (09022015). Collection method: clinical testing. Allele origin: germline.
Comment: Algorithms developed to predict the effect of missense changes on protein structure and function are either unavailable or do not agree on the potential impact of this missense change (SIFT: "Not Available"; PolyPhen-2: "Possibly Damaging"; Align-GVGD: "Not Available"). In summary, the available evidence is currently insufficient to determine the role of this variant in disease. Therefore, it has been classified as a Variant of Uncertain Significance. This sequence change replaces leucine, which is neutral and non-polar, with arginine, which is basic and polar, at codon 199 of the VPS13B protein (p.Leu199Arg). This variant is not present in population databases (gnomAD no frequency). This variant has not been reported in the literature in individuals affected with VPS13B-related conditions.